The following is an entry in ClinVar:

NM_006445.4(PRPF8):c.4169C>T (p.Ala1390Val)

Gene: PRPF8 (pre-mRNA processing factor 8; minus strand). Cytogenetic location: 17p13.3.
Variant type: single nucleotide variant.
Coding change: c.4169C>T on transcript NM_006445.4 (MANE Select); coding-DNA position 4169, C replaced by T.
Protein change: p.Ala1390Val; replaces alanine 1390 with valine.
Molecular consequence: missense variant.
Genome position (GRCh38, 1-based): chr17:1,661,644, G>A on the plus strand (C>T on the coding strand, the complement: PRPF8 is on the minus strand). VCF-style: chr17-1661644-G-A. GRCh37 (hg19) VCF-style: chr17-1564938-G-A.
Other names: short protein forms A1390V.
Identifiers: ClinVar variation 3719965 (VCV003719965.2).

ClinVar aggregate classification (germline): Uncertain significance (1 of 4 stars; one submission).

Submission:

Labcorp Genetics (formerly Invitae), Labcorp
Classification: Uncertain significance. Last evaluated: 2024-09-27. Review status: criteria provided, single submitter. Criteria: Invitae Variant Classification Sherloc (09022015). Collection method: clinical testing. Allele origin: germline.
Comment: This sequence change replaces alanine, which is neutral and non-polar, with valine, which is neutral and non-polar, at codon 1390 of the PRPF8 protein (p.Ala1390Val). This variant is not present in population databases (gnomAD no frequency). This variant has not been reported in the literature in individuals affected with PRPF8-related conditions. Invitae Evidence Modeling of protein sequence and biophysical properties (such as structural, functional, and spatial information, amino acid conservation, physicochemical variation, residue mobility, and thermodynamic stability) indicates that this missense variant is not expected to disrupt PRPF8 protein function with a negative predictive value of 80%. Algorithms developed to predict the effect of sequence changes on RNA splicing suggest that this variant may create or strengthen a splice site. In summary, the available evidence is currently insufficient to determine the role of this variant in disease. Therefore, it has been classified as a Variant of Uncertain Significance.